The following is an entry in ClinVar:

ClinVar aggregate classification (germline): Uncertain significance (1 of 4 stars; one submission).

Allele frequency attached by ClinVar (database versions not stated): gnomAD exomes below 0.00001; ExAC 0.00001.

Submission:

Labcorp Genetics (formerly Invitae), Labcorp
Classification: Uncertain significance. Last evaluated: 2024-04-15. Review status: criteria provided, single submitter. Criteria: Invitae Variant Classification Sherloc (09022015). Collection method: clinical testing. Allele origin: germline.
Comment: This sequence change replaces isoleucine, which is neutral and non-polar, with valine, which is neutral and non-polar, at codon 1058 of the CAD protein (p.Ile1058Val). This variant is present in population databases (rs775368151, gnomAD 0.0009%). This variant has not been reported in the literature in individuals affected with CAD-related conditions. ClinVar contains an entry for this variant (Variation ID: 1477014). Advanced modeling of protein sequence and biophysical properties (such as structural, functional, and spatial information, amino acid conservation, physicochemical variation, residue mobility, and thermodynamic stability) performed at Invitae indicates that this missense variant is not expected to disrupt CAD protein function with a negative predictive value of 80%. In summary, the available evidence is currently insufficient to determine the role of this variant in disease. Therefore, it has been classified as a Variant of Uncertain Significance.

NM_004341.5(CAD):c.3172A>G (p.Ile1058Val)

Gene: CAD (carbamoyl-phosphate synthetase 2, aspartate transcarbamylase, and dihydroorotase; plus strand). Cytogenetic location: 2p23.3.
Variant type: single nucleotide variant.
Coding change: c.3172A>G on transcript NM_004341.5 (MANE Select); coding-DNA position 3172, A replaced by G.
Protein change: p.Ile1058Val; replaces isoleucine 1058 with valine.
Molecular consequence: missense variant.
Genome position (GRCh38, 1-based): chr2:27,233,492, A>G. VCF-style: chr2-27233492-A-G. GRCh37 (hg19) VCF-style: chr2-27456360-A-G.
Other names: c.2983A>G, p.Ile995Val (NM_001306079.2); short protein forms I1058V, I995V.
Identifiers: ClinVar variation 1477014 (VCV001477014.8), dbSNP rs775368151, ClinGen allele CA1573211.